The following is an entry in ClinVar:

NM_000051.4(ATM):c.2251-8_2254del

Gene: ATM (ATM serine/threonine kinase; plus strand). Cytogenetic location: 11q22.3.
Variant type: Deletion.
Coding change: c.2251-8_2254del on transcript NM_000051.4 (MANE Select); 8 bases into the intron before coding-DNA position 2251 through coding-DNA position 2254, 12 bases deleted (CACAATAGTCTC).
Molecular consequence: splice acceptor variant.
Genome position (GRCh38, 1-based): chr11:108,257,473-108,257,484, CACAATAGTCTC deleted. VCF-style (leftmost placement, unchanged base first): chr11-108257472-TCACAATAGTCTC-T. GRCh37 (hg19) VCF-style: chr11-108128199-TCACAATAGTCTC-T.
Other names: c.2251-8_2254del (NM_001351834.2).
Identifiers: ClinVar variation 3649245 (VCV003649245.2).
Genomic context (GRCh38, chr11:108,257,472, plus strand): 5'-ACACTGTAAAAAGCAATACTAAACTATAATTTTAACTGGAATTTGCATTTTTCCTTCTAT[TCACAATAGTCTC>T]TAATGCAATGTGCAGGAGAAAGTATCACTCTGTTTAAAAATAAGACAAATGAGGAATTCA-3'

ClinVar aggregate classification (germline): Likely pathogenic (1 of 4 stars; one submission).

Conditions:
Ataxia-telangiectasia syndrome (AT). Also called: ATAXIA-TELANGIECTASIA, COMPLEMENTATION GROUP A; ATAXIA-TELANGIECTASIA, FRESNO VARIANT; LOUIS-BAR SYNDROME; Ataxia-telangiectasia, complementation group D; Ataxia-telangiectasia, complementation group E; Cerebello-oculocutaneous telangiectasia. Identifiers: Orphanet 100, MedGen C0004135, MONDO:0008840, OMIM 208900.

Submission:

Labcorp Genetics (formerly Invitae), Labcorp
Classification: Likely pathogenic for Ataxia-telangiectasia syndrome. Last evaluated: 2024-04-09. Review status: criteria provided, single submitter. Criteria: Invitae Variant Classification Sherloc (09022015). Collection method: clinical testing. Allele origin: germline.
Comment: This variant results in the deletion of part of exon 15 (c.2251-8_2254del ) of the ATM gene. It is expected to disrupt RNA splicing. Variants that disrupt the donor or acceptor splice site typically lead to a loss of protein function (PMID: 16199547), and loss-of-function variants in ATM are known to be pathogenic (PMID: 23807571, 25614872). This variant is not present in population databases (gnomAD no frequency). This variant has not been reported in the literature in individuals affected with ATM-related conditions. In summary, the currently available evidence indicates that the variant is pathogenic, but additional data are needed to prove that conclusively. Therefore, this variant has been classified as Likely Pathogenic.

Literature cited by the submitters: PubMed 16199547; PubMed 23807571; PubMed 25614872.